The following is an entry in ClinVar:

NM_015450.3(POT1):c.1164-10A>G

Gene: POT1 (protection of telomeres 1; minus strand). Cytogenetic location: 7q31.33.
Variant type: single nucleotide variant.
Coding change: c.1164-10A>G on transcript NM_015450.3 (MANE Select); 10 bases into the intron before coding-DNA position 1164, A replaced by G.
Molecular consequence: intron variant.
Genome position (GRCh38, 1-based): chr7:124,841,188, T>C on the plus strand (A>G on the coding strand, the complement: POT1 is on the minus strand). VCF-style: chr7-124841188-T-C. GRCh37 (hg19) VCF-style: chr7-124481242-T-C.
Other names: c.771-10A>G (NM_001042594.2).
Identifiers: ClinVar variation 475025 (VCV000475025.11), dbSNP rs1554420179, ClinGen allele CA658657710.

ClinVar aggregate classification (germline): Uncertain significance (1 of 4 stars; one submission).

Conditions:
Tumor predisposition syndrome 3 (TPDS3). Also called: Glioma susceptibility 9; LONG TELOMERE SYNDROME, POT1-RELATED; POT1 Tumor Predisposition; Melanoma, cutaneous malignant, susceptibility to, 10. Identifiers: Orphanet 618, MedGen C4014476, MONDO:0014368, OMIM 615848.

Submission:

Labcorp Genetics (formerly Invitae), Labcorp
Classification: Uncertain significance for Tumor predisposition syndrome 3. Last evaluated: 2025-06-25. Review status: criteria provided, single submitter. Criteria: Invitae Variant Classification Sherloc (09022015). Collection method: clinical testing. Allele origin: germline.
Comment: This sequence change falls in intron 13 of the POT1 gene. It does not directly change the encoded amino acid sequence of the POT1 protein. RNA analysis indicates that this variant induces altered splicing and likely results in the gain of 3 amino acid residue(s), but is expected to preserve the integrity of the reading-frame. This variant is not present in population databases (gnomAD no frequency). This variant has not been reported in the literature in individuals affected with POT1-related conditions. ClinVar contains an entry for this variant (Variation ID: 475025). Studies have shown that this variant results in the activation of a cryptic splice site in intron 13 (internal data). In summary, the available evidence is currently insufficient to determine the role of this variant in disease. Therefore, it has been classified as a Variant of Uncertain Significance.